The following is an entry in ClinVar:

ClinVar aggregate classification (germline): Uncertain significance (1 of 4 stars; one submission).

gnomAD v4.1: 3 of 1,612,128 alleles (0.00019%); highest among the groups gnomAD compares: African/African-American, 0.0013%; no homozygotes.

Submission:

Labcorp Genetics (formerly Invitae), Labcorp
Classification: Uncertain significance. Last evaluated: 2023-07-26. Review status: criteria provided, single submitter. Criteria: Invitae Variant Classification Sherloc (09022015). Collection method: clinical testing. Allele origin: germline.
Comment: This sequence change replaces valine, which is neutral and non-polar, with leucine, which is neutral and non-polar, at codon 394 of the DVL1 protein (p.Val394Leu). In summary, the available evidence is currently insufficient to determine the role of this variant in disease. Therefore, it has been classified as a Variant of Uncertain Significance. Advanced modeling of protein sequence and biophysical properties (such as structural, functional, and spatial information, amino acid conservation, physicochemical variation, residue mobility, and thermodynamic stability) performed at Invitae indicates that this missense variant is not expected to disrupt DVL1 protein function. This variant has not been reported in the literature in individuals affected with DVL1-related conditions. This variant is not present in population databases (gnomAD no frequency).

NM_001330311.2(DVL1):c.1255G>C (p.Val419Leu)

Gene: DVL1 (dishevelled segment polarity protein 1; minus strand). Cytogenetic location: 1p36.33.
Variant type: single nucleotide variant.
Coding change: c.1255G>C on transcript NM_001330311.2 (MANE Select); coding-DNA position 1255, G replaced by C.
Protein change: p.Val419Leu; replaces valine 419 with leucine.
Molecular consequence: missense variant.
Genome position (GRCh38, 1-based): chr1:1,338,606, C>G on the plus strand (G>C on the coding strand, the complement: DVL1 is on the minus strand). VCF-style: chr1-1338606-C-G. GRCh37 (hg19) VCF-style: chr1-1273986-C-G.
Other names: c.1180G>C, p.Val394Leu (NM_004421.3); short protein forms V394L, V419L.
Identifiers: ClinVar variation 2741196 (VCV002741196.3), dbSNP rs1051356744, ClinGen allele CA16753979.